The following is an entry in ClinVar:

ClinVar aggregate classification (germline): Uncertain significance (1 of 4 stars; one submission).

Allele frequency attached by ClinVar (database versions not stated): gnomAD exomes below 0.00001; ExAC 0.00001.
gnomAD v4.1: 1 of 1,613,978 alleles (0.000062%); highest among the groups gnomAD compares: South Asian, 0.0011%; no homozygotes.

Submission:

Labcorp Genetics (formerly Invitae), Labcorp
Classification: Uncertain significance. Last evaluated: 2022-09-16. Review status: criteria provided, single submitter. Criteria: Invitae Variant Classification Sherloc (09022015). Collection method: clinical testing. Allele origin: germline.
Comment: This sequence change replaces glutamine, which is neutral and polar, with histidine, which is basic and polar, at codon 1045 of the KMT2A protein (p.Gln1045His). This variant is present in population databases (rs782094382, gnomAD 0.003%). This variant has not been reported in the literature in individuals affected with KMT2A-related conditions. Advanced modeling of protein sequence and biophysical properties (such as structural, functional, and spatial information, amino acid conservation, physicochemical variation, residue mobility, and thermodynamic stability) performed at Invitae indicates that this missense variant is not expected to disrupt KMT2A protein function. In summary, the available evidence is currently insufficient to determine the role of this variant in disease. Therefore, it has been classified as a Variant of Uncertain Significance.

NM_001197104.2(KMT2A):c.3135A>C (p.Gln1045His)

Gene: KMT2A (lysine methyltransferase 2A; plus strand). Cytogenetic location: 11q23.3.
Variant type: single nucleotide variant.
Coding change: c.3135A>C on transcript NM_001197104.2 (MANE Select); coding-DNA position 3135, A replaced by C.
Protein change: p.Gln1045His; replaces glutamine 1045 with histidine.
Molecular consequence: missense variant.
Genome position (GRCh38, 1-based): chr11:118,474,294, A>C. VCF-style: chr11-118474294-A-C. GRCh37 (hg19) VCF-style: chr11-118345009-A-C.
Other names: c.3234A>C, p.Gln1078His (NM_001412597.1); c.3135A>C, p.Gln1045His (NM_005933.4); short protein forms Q1045H, Q1078H.
Identifiers: ClinVar variation 1719576 (VCV001719576.5), dbSNP rs782094382, ClinGen allele CA6303604.